The following is an entry in ClinVar:

ClinVar aggregate classification (germline): Uncertain significance (1 of 4 stars; one submission).

Conditions:
2-aminoadipic 2-oxoadipic aciduria (AAKAD). Also called: ALPHA-AMINOADIPIC AND ALPHA-KETOADIPIC ACIDURIA; Aminoadipic aciduria. Identifiers: Orphanet 79154, MedGen C1859817, MONDO:0008774, OMIM 204750.

Allele frequency attached by ClinVar (database versions not stated): gnomAD exomes below 0.00001.
gnomAD v4.1: 1 of 719,194 alleles (0.00014%); highest among the groups gnomAD compares: Non-Finnish European, 0.0002%; no homozygotes.

Submission:

Labcorp Genetics (formerly Invitae), Labcorp
Classification: Uncertain significance for 2-aminoadipic 2-oxoadipic aciduria. Last evaluated: 2022-01-05. Review status: criteria provided, single submitter. Criteria: Invitae Variant Classification Sherloc (09022015). Collection method: clinical testing. Allele origin: germline.
Comment: Algorithms developed to predict the effect of missense changes on protein structure and function (SIFT, PolyPhen-2, Align-GVGD) all suggest that this variant is likely to be tolerated. In summary, the available evidence is currently insufficient to determine the role of this variant in disease. Therefore, it has been classified as a Variant of Uncertain Significance. This variant has not been reported in the literature in individuals affected with DHTKD1-related conditions. This variant is not present in population databases (gnomAD no frequency). This sequence change replaces glutamine, which is neutral and polar, with glutamic acid, which is acidic and polar, at codon 585 of the DHTKD1 protein (p.Gln585Glu).

NM_018706.7(DHTKD1):c.1753C>G (p.Gln585Glu)

Gene: DHTKD1 (dehydrogenase E1 and transketolase domain containing 1; plus strand). Cytogenetic location: 10p14.
Variant type: single nucleotide variant.
Coding change: c.1753C>G on transcript NM_018706.7 (MANE Select); coding-DNA position 1753, C replaced by G.
Protein change: p.Gln585Glu; replaces glutamine 585 with glutamic acid.
Molecular consequence: missense variant.
Genome position (GRCh38, 1-based): chr10:12,100,259, C>G. VCF-style: chr10-12100259-C-G. GRCh37 (hg19) VCF-style: chr10-12142258-C-G.
Other names: short protein forms Q585E.
Identifiers: ClinVar variation 2075257 (VCV002075257.4), dbSNP rs2491494910, ClinGen allele CA376021978.